The following is an entry in ClinVar:

ClinVar aggregate classification (germline): Pathogenic (1 of 4 stars; one submission).

Conditions:
Neurofibromatosis, type 1 (NF1). Also called: Peripheral type neurofibromatosis; NEUROFIBROMATOSIS, TYPE I, SOMATIC; VON RECKLINGHAUSEN DISEASE; Neurofibromatosis, type I. Identifiers: Orphanet 636, MedGen C0027831, MONDO:0018975, OMIM 162200. Disease mechanism: loss of function.

Submission:

Labcorp Genetics (formerly Invitae), Labcorp
Classification: Pathogenic for Neurofibromatosis, type 1. Last evaluated: 2025-03-20. Review status: criteria provided, single submitter. Criteria: Invitae Variant Classification Sherloc (09022015). Collection method: clinical testing. Allele origin: germline.
Comment: This sequence change creates a premature translational stop signal (p.Ser2381Phefs*20) in the NF1 gene. It is expected to result in an absent or disrupted protein product. Loss-of-function variants in NF1 are known to be pathogenic (PMID: 10712197, 23913538). This variant is not present in population databases (gnomAD no frequency). This variant has not been reported in the literature in individuals affected with NF1-related conditions. ClinVar contains an entry for this variant (Variation ID: 2745888). For these reasons, this variant has been classified as Pathogenic.

Literature cited by the submitters: PubMed 10712197; PubMed 23913538.

NM_001042492.3(NF1):c.7204dup (p.Ser2402fs)

Gene: NF1 (neurofibromin 1; plus strand). Cytogenetic location: 17q11.2.
Variant type: Duplication.
Coding change: c.7204dup on transcript NM_001042492.3 (MANE Select); coding-DNA position 7204, one base duplicated (T; older notation c.7204dupT).
Protein change: p.Ser2402fs; shifts the reading frame from serine 2402.
Molecular consequence: frameshift variant.
Genome position (GRCh38, 1-based): chr17:31,349,134, T duplicated; the last of 2 consecutive T bases (chr17:31,349,133-31,349,134); duplicating either gives the same sequence. VCF-style (leftmost placement, unchanged base first): chr17-31349132-C-CT. GRCh37 (hg19) VCF-style: chr17-29676150-C-CT.
Other names: c.7141dup, p.Ser2381Phefs (NM_000267.4); short protein forms S2381fs, S2402fs.
Identifiers: ClinVar variation 2745888 (VCV002745888.3), dbSNP rs2508800692, ClinGen allele CA2697559557.